The following is an entry in ClinVar:

ClinVar aggregate classification (germline): Uncertain significance (1 of 4 stars; one submission).

Allele frequency attached by ClinVar (database versions not stated): TOPMed below 0.00001; gnomAD 0.00001; gnomAD exomes 0.00001.
gnomAD v4.1: 17 of 1,579,102 alleles (0.0011%); highest among the groups gnomAD compares: African/African-American, 0.0041%; no homozygotes.

Submission:

Labcorp Genetics (formerly Invitae), Labcorp
Classification: Uncertain significance. Last evaluated: 2022-04-18. Review status: criteria provided, single submitter. Criteria: Invitae Variant Classification Sherloc (09022015). Collection method: clinical testing. Allele origin: germline.
Comment: This variant has not been reported in the literature in individuals affected with SIPA1L3-related conditions. In summary, the available evidence is currently insufficient to determine the role of this variant in disease. Therefore, it has been classified as a Variant of Uncertain Significance. Algorithms developed to predict the effect of missense changes on protein structure and function are either unavailable or do not agree on the potential impact of this missense change (SIFT: "Tolerated"; PolyPhen-2: "Probably Damaging"; Align-GVGD: "Class C0"). The frequency data for this variant in the population databases is considered unreliable, as metrics indicate poor data quality at this position in the gnomAD database. This sequence change replaces valine, which is neutral and non-polar, with methionine, which is neutral and non-polar, at codon 1571 of the SIPA1L3 protein (p.Val1571Met).

NM_015073.3(SIPA1L3):c.4711G>A (p.Val1571Met)

Gene: SIPA1L3 (signal induced proliferation associated 1 like 3; plus strand). Cytogenetic location: 19q13.13.
Variant type: single nucleotide variant.
Coding change: c.4711G>A on transcript NM_015073.3 (MANE Select); coding-DNA position 4711, G replaced by A.
Protein change: p.Val1571Met; replaces valine 1571 with methionine.
Molecular consequence: missense variant.
Genome position (GRCh38, 1-based): chr19:38,193,651, G>A. VCF-style: chr19-38193651-G-A. GRCh37 (hg19) VCF-style: chr19-38684291-G-A.
Other names: short protein forms V1571M.
Identifiers: ClinVar variation 1927533 (VCV001927533.5), dbSNP rs919643604, ClinGen allele CA405636321.